The following is an entry in ClinVar:

ClinVar aggregate classification (germline): Pathogenic. Review status: reviewed by expert panel (3 of 4 stars). 6 submissions from 6 submitters: Pathogenic (1). 5 of the submissions do not count toward it. Last evaluated 2017-03-17.

Conditions:
CFTR-related disorder (CFTR-RD). Also called: CFTR-related condition; CFTR-related disorders. Identifiers: MedGen C5924204, MONDO:7770004.
Cystic fibrosis (CF). Also called: MUCOVISCIDOSIS. Identifiers: Orphanet 586, MedGen C0010674, MONDO:0009061, OMIM 219700. Disease mechanism: loss of function.

Allele frequency attached by ClinVar (database versions not stated): gnomAD exomes below 0.00001.
gnomAD v4.1: 2 of 1,614,120 alleles (0.00012%); highest among the groups gnomAD compares: Non-Finnish European, 0.00017%; no homozygotes.

Submissions (6):

CFTR2
Classification: Pathogenic for Cystic fibrosis. Last evaluated: 2017-03-17. Review status: reviewed by expert panel. Criteria: Sosnay PR et al. (Nat Genet 2013). Collection method: research. Allele origin: germline. Affected: yes. Study: CFTR2.

Natera, Inc.
Classification: Pathogenic for CFTR-related disorders. Last evaluated: 2025-04-09. Review status: criteria provided, single submitter. Criteria: Natera Variant Classification Schema (03/2026). Collection method: clinical testing. Allele origin: germline. Not counted in ClinVar's aggregate classification.
Comment: The c.2780T>C variant in CFTR is a missense variant predicted to cause substitution of leucine to proline at amino acid 927. This variant is rare in the general population with a frequency below the threshold expected for the associated phenotype(s). This variant has been observed in one or more individuals affected with the associated recessive disease, as either homozygous or compound heterozygous with a second variant (PMID: 7526927, 17481968). Additionally, this variant has been observed to segregate in affected family members (PMID: 7526927). Computational prediction algorithms indicate this variant is likely to affect gene or protein function. Given the available evidence, this variant is classified as Pathogenic.

Ambry Genetics
Classification: Pathogenic for Cystic fibrosis. Last evaluated: 2022-07-08. Review status: criteria provided, single submitter. Criteria: Ambry Variant Classification Scheme 2023. Collection method: clinical testing. Allele origin: germline. Not counted in ClinVar's aggregate classification.
Comment: The p.L927P pathogenic mutation (also known as c.2780T>C), located in coding exon 17 of the CFTR gene, results from a T to C substitution at nucleotide position 2780. The leucine at codon 927 is replaced by proline, an amino acid with similar properties. This variant has been reported in multiple individuals with an elevated sweat chloride level in The Clinical and Functional TRanslation of CFTR (CFTR2) database (available at CFTR2. Accessed 07/08/2022). This variant has also been reported in conjunction with other CFTR pathogenic mutations in multiple individuals with cystic fibrosis (Hermans CJ et al. Hum Mol Genet, 1994 Jul;3:1199-200; Storm K et al. J Cyst Fibros, 2007 Nov;6:371-5). This variant is considered to be rare based on population cohorts in the Genome Aggregation Database (gnomAD). Based on the supporting evidence, this alteration is interpreted as a disease-causing mutation.

Women's Health and Genetics/Laboratory Corporation of America, LabCorp
Classification: Pathogenic for Cystic fibrosis. Last evaluated: 2017-06-13. Review status: criteria provided, single submitter. Criteria: LabCorp Variant Classification Summary - May 2015. Collection method: clinical testing. Allele origin: germline. Not counted in ClinVar's aggregate classification.
Comment: Variant summary: The CFTR c.2780T>C (p.Leu927Pro) variant involves the alteration of a highly conserved nucleotide and 5/5 in silico tools predict a damaging outcome. The deleterious effect of this change has been confirmed by functional studies where L927P was shown to have a reduce maturation level and severely affected Cl- transport. The variant is absent from the control population datasets of ExAC and gnomAD (~121324 and 216186 chrs tested) but was identified in multiple CF patients in compound heterozygosity with known pathogenic mutations. Multiple published reports and clinical diagnostic laboratories/reputable databases classified this variant as severe mutation/Pathogenic. Taking together, the variant has been classified as Pathogenic.

CFTR-France
Classification: Pathogenic for cystic fibrosis. Last evaluated: 2015-07-03. Review status: criteria provided, single submitter. Criteria: Claustres M et al. (Hum Mutat 2017). Collection method: curation. Allele origin: germline. Affected: yes. Not counted in ClinVar's aggregate classification.

Counsyl
Classification: Likely pathogenic for Cystic fibrosis. Last evaluated: 2016-10-07. Review status: no assertion criteria provided. Collection method: clinical testing. Allele origin: unknown. Not counted in ClinVar's aggregate classification.

Literature cited by the submitters: PubMed 7526927 (cited by 3 submitters); PubMed 17481968 (cited by Natera, Inc. and Ambry Genetics); PubMed 21416780 (cited by Women's Health and Genetics/Laboratory Corporation of America, LabCorp); PubMed 25826586 (cited by Women's Health and Genetics/Laboratory Corporation of America, LabCorp); PubMed 23891399 (cited by Women's Health and Genetics/Laboratory Corporation of America, LabCorp and Counsyl); PubMed 23974870 (cited by Women's Health and Genetics/Laboratory Corporation of America, LabCorp and Counsyl); PubMed 23727931 (cited by Counsyl).

NM_000492.4(CFTR):c.2780T>C (p.Leu927Pro)

Gene: CFTR (CF transmembrane conductance regulator; plus strand). Cytogenetic location: 7q31.2.
Variant type: single nucleotide variant.
Coding change: c.2780T>C on transcript NM_000492.4 (MANE Select); coding-DNA position 2780, T replaced by C.
Protein change: p.Leu927Pro; replaces leucine 927 with proline.
Molecular consequence: missense variant.
Genome position (GRCh38, 1-based): chr7:117,603,654, T>C. VCF-style: chr7-117603654-T-C. GRCh37 (hg19) VCF-style: chr7-117243708-T-C.
Other names: short protein forms L927P.
Identifiers: ClinVar variation 53568 (VCV000053568.8), dbSNP rs397508435, ClinGen allele CA328107.